The following is an entry in ClinVar:

ClinVar aggregate classification (germline): Uncertain significance (1 of 4 stars; one submission).

Conditions:
Dystonic disorder. Also called: Dystonia. Identifiers: MedGen C0013421, MONDO:0003441, HP:0001332.

Allele frequency attached by ClinVar (database versions not stated): TOPMed below 0.00001; ExAC 0.00001; gnomAD 0.00001; gnomAD exomes 0.00001; ESP Exome Variant Server 0.00008.
gnomAD v4.1: 20 of 1,613,912 alleles (0.0012%); highest among the groups gnomAD compares: Admixed American, 0.0033%; no homozygotes.

Submission:

Labcorp Genetics (formerly Invitae), Labcorp
Classification: Uncertain significance for Dystonic disorder. Last evaluated: 2021-08-25. Review status: criteria provided, single submitter. Criteria: Invitae Variant Classification Sherloc (09022015). Collection method: clinical testing. Allele origin: germline.
Comment: This sequence change replaces valine with methionine at codon 152 of the SPR protein (p.Val152Met). The valine residue is highly conserved and there is a small physicochemical difference between valine and methionine. This variant is present in population databases (rs373408326, ExAC 0.009%). This variant has not been reported in the literature in individuals affected with SPR-related conditions. Algorithms developed to predict the effect of missense changes on protein structure and function are either unavailable or do not agree on the potential impact of this missense change (SIFT: "Deleterious"; PolyPhen-2: "Probably Damaging"; Align-GVGD: "Class C15"). In summary, the available evidence is currently insufficient to determine the role of this variant in disease. Therefore, it has been classified as a Variant of Uncertain Significance.

NM_003124.5(SPR):c.454G>A (p.Val152Met)

Gene: SPR (sepiapterin reductase; plus strand). Cytogenetic location: 2p13.2.
Variant type: single nucleotide variant.
Coding change: c.454G>A on transcript NM_003124.5 (MANE Select); coding-DNA position 454, G replaced by A.
Protein change: p.Val152Met; replaces valine 152 with methionine.
Molecular consequence: missense variant.
Genome position (GRCh38, 1-based): chr2:72,888,463, G>A. VCF-style: chr2-72888463-G-A. GRCh37 (hg19) VCF-style: chr2-73115592-G-A.
Other names: short protein forms V152M.
Identifiers: ClinVar variation 1417198 (VCV001417198.5), dbSNP rs373408326, ClinGen allele CA1708959.